The following is an entry in ClinVar:

ClinVar aggregate classification (germline): Likely pathogenic (1 of 4 stars; one submission).

Conditions:
Autosomal recessive nonsyndromic hearing loss 77. Identifiers: Orphanet 90636, MedGen C2746083, MONDO:0013119, OMIM 613079.

Submission:

Natera, Inc.
Classification: Likely pathogenic for Autosomal recessive deafness type 77. Last evaluated: 2025-04-23. Review status: criteria provided, single submitter. Criteria: Natera Variant Classification Schema (03/2026). Collection method: clinical testing. Allele origin: germline.
Comment: The c.5274del variant in LOXHD1 is a frameshift variant predicted to shift the reading frame beginning at codon 1759 and leads to a stop codon 22 codons downstream. This variant is expected to result in nonsense mediated decay, truncation, or a dysfunctional protein product. This variant is rare in the general population with a frequency below the threshold expected for the associated phenotype(s). Given the available evidence, this variant is classified as Likely Pathogenic.

NM_001384474.1(LOXHD1):c.5460del (p.Lys1821fs)

Gene: LOXHD1 (lipoxygenase homology PLAT domains 1; minus strand). Cytogenetic location: 18q21.1.
Variant type: Deletion.
Coding change: c.5460del on transcript NM_001384474.1 (MANE Select); coding-DNA position 5460, one base deleted (C; older notation c.5460delC).
Protein change: p.Lys1821fs; shifts the reading frame from lysine 1821.
Molecular consequence: frameshift variant.
Genome position (GRCh38, 1-based): chr18:46,509,755, G deleted on the plus strand (C on the coding strand, the reverse complement: LOXHD1 is on the minus strand); the first of 2 consecutive G bases (chr18:46,509,755-46,509,756); deleting either gives the same sequence. VCF-style (leftmost placement, unchanged base first): chr18-46509754-TG-T. GRCh37 (hg19) VCF-style: chr18-44089717-TG-T.
Other names: c.2127del, p.Lys710fs (NM_001145472.3); c.177del, p.Lys60fs (NM_001145473.3, NM_001173129.2); c.1839del, p.Lys614fs (NM_001308013.2); c.5274del, p.Lys1759fs (NM_144612.7); short protein forms K1759fs, K1821fs, K60fs, K614fs, K710fs.
Identifiers: ClinVar variation 4070023 (VCV004070023.2).